The following is an entry in ClinVar:

NM_002392.6(MDM2):c.910T>C (p.Ser304Pro)

Gene: MDM2 (MDM2 proto-oncogene; plus strand). Cytogenetic location: 12q15.
Variant type: single nucleotide variant.
Coding change: c.910T>C on transcript NM_002392.6 (MANE Select); coding-DNA position 910, T replaced by C.
Protein change: p.Ser304Pro; replaces serine 304 with proline.
Molecular consequence: missense variant. On other transcripts: intron variant (1).
Genome position (GRCh38, 1-based): chr12:68,836,741, T>C. VCF-style: chr12-68836741-T-C. GRCh37 (hg19) VCF-style: chr12-69230521-T-C.
Other names: c.751T>C, p.Ser251Pro (NM_001145337.3); c.745T>C, p.Ser249Pro (NM_001145339.2); c.382T>C, p.Ser128Pro (NM_001278462.2); c.892T>C, p.Ser298Pro (NM_001367990.1); c.312+757T>C (NM_001145340.3); short protein forms S298P, S304P, S128P, S249P, S251P.
Identifiers: ClinVar variation 2185408 (VCV002185408.4), dbSNP rs755429424, ClinGen allele CA6678815.

ClinVar aggregate classification (germline): Uncertain significance (1 of 4 stars; one submission).

Conditions:
Accelerated tumor formation, susceptibility to (ACTFS). Identifiers: MedGen C3280690, OMIM 614401, MONDO:0013733.

Allele frequency attached by ClinVar (database versions not stated): ExAC 0.00001; TOPMed 0.00001.
gnomAD v4.1: 4 of 1,608,782 alleles (0.00025%); highest among the groups gnomAD compares: Admixed American, 0.0067%; no homozygotes.

Submission:

Labcorp Genetics (formerly Invitae), Labcorp
Classification: Uncertain significance for Accelerated tumor formation, susceptibility to. Last evaluated: 2022-08-05. Review status: criteria provided, single submitter. Criteria: Invitae Variant Classification Sherloc (09022015). Collection method: clinical testing. Allele origin: germline.
Comment: In summary, the available evidence is currently insufficient to determine the role of this variant in disease. Therefore, it has been classified as a Variant of Uncertain Significance. Algorithms developed to predict the effect of missense changes on protein structure and function are either unavailable or do not agree on the potential impact of this missense change (SIFT: "Deleterious"; PolyPhen-2: "Probably Damaging"; Align-GVGD: "Class C0"). This variant has not been reported in the literature in individuals affected with MDM2-related conditions. This variant is present in population databases (rs755429424, gnomAD 0.009%). This sequence change replaces serine, which is neutral and polar, with proline, which is neutral and non-polar, at codon 304 of the MDM2 protein (p.Ser304Pro).